The following is an entry in ClinVar:

NM_000051.4(ATM):c.2839-4T>C

Gene: ATM (ATM serine/threonine kinase; plus strand). Cytogenetic location: 11q22.3.
Variant type: single nucleotide variant.
Coding change: c.2839-4T>C on transcript NM_000051.4 (MANE Select); 4 bases into the intron before coding-DNA position 2839, T replaced by C.
Molecular consequence: intron variant.
Genome position (GRCh38, 1-based): chr11:108,271,060, T>C. VCF-style: chr11-108271060-T-C. GRCh37 (hg19) VCF-style: chr11-108141787-T-C.
Other names: c.2839-4T>C (NM_001351834.2).
Identifiers: ClinVar variation 386844 (VCV000386844.26), dbSNP rs1057522619, ClinGen allele CA16605776.

ClinVar aggregate classification (germline): Likely benign. Review status: criteria provided, multiple submitters, no conflicts (2 of 4 stars). 6 submissions from 6 submitters: Likely benign (5). 1 of the submissions does not count toward it. Last evaluated 2025-12-03.

Conditions:
Hereditary cancer-predisposing syndrome. Also called: Neoplastic Syndromes, Hereditary; Hereditary neoplastic syndrome; Tumor predisposition; Hereditary Cancer Syndrome. Identifiers: Orphanet 140162, MedGen C0027672, MeSH D009386, MONDO:0015356.
Ataxia-telangiectasia syndrome (AT). Also called: AT, COMPLEMENTATION GROUP C; ATAXIA-TELANGIECTASIA, COMPLEMENTATION GROUP A; ATAXIA-TELANGIECTASIA, FRESNO VARIANT; LOUIS-BAR SYNDROME; Ataxia-telangiectasia; Cerebello-oculocutaneous telangiectasia. Identifiers: Orphanet 100, MedGen C0004135, MONDO:0008840, OMIM 208900.
Familial cancer of breast. Also called: BREAST CANCER, FAMILIAL; hereditary breast carcinoma; Hereditary breast cancer. Identifiers: Orphanet 227535, MedGen C0346153, MONDO:0016419, OMIM 114480. Disease mechanism: loss of function.

Allele frequency attached by ClinVar (database versions not stated): gnomAD exomes below 0.00001.
gnomAD v4.1: 2 of 1,612,640 alleles (0.00012%); highest among the groups gnomAD compares: Non-Finnish European, 0.00017%; no homozygotes.

Submissions (6):

Labcorp Genetics (formerly Invitae), Labcorp
Classification: Likely benign for Ataxia-telangiectasia syndrome. Last evaluated: 2025-12-03. Review status: criteria provided, single submitter. Criteria: Invitae Variant Classification Sherloc (09022015). Collection method: clinical testing. Allele origin: germline.

Color Diagnostics, LLC DBA Color Health
Classification: Likely benign for Hereditary cancer-predisposing syndrome. Last evaluated: 2024-11-05. Review status: criteria provided, single submitter. Criteria: ACMG Guidelines, 2015. Collection method: clinical testing. Allele origin: germline.

Myriad Genetics, Inc.
Classification: Likely benign for Familial cancer of breast. Last evaluated: 2024-05-10. Review status: criteria provided, single submitter. Criteria: Myriad Autosomal Dominant, Autosomal Recessive and X-Linked Classification Criteria (2023). Collection method: clinical testing. Allele origin: unknown.
Comment: This variant is considered likely benign. This variant is intronic and is not expected to impact mRNA splicing.

GeneDx
Classification: Likely benign. Last evaluated: 2020-07-31. Review status: criteria provided, single submitter. Criteria: GeneDx Variant Classification Process June 2021. Collection method: clinical testing. Allele origin: germline. Affected: yes.

Ambry Genetics
Classification: Likely benign for Hereditary cancer-predisposing syndrome. Last evaluated: 2019-10-23. Review status: criteria provided, single submitter. Criteria: Ambry Variant Classification Scheme 2023. Collection method: clinical testing. Allele origin: germline.

Department of Pathology and Laboratory Medicine, Sinai Health System
Classification: Uncertain significance. Review status: no assertion criteria provided. Collection method: clinical testing. Allele origin: unknown. Affected: yes. Observed: 1 variant allele. Study: The Canadian Open Genetics Repository (COGR). Not counted in ClinVar's aggregate classification.
Comment: The ATM c.2839-4T>C variant was not identified in the literature nor was it identified in the following databases: dbSNP, COGR, Cosmic, LOVD 3.0, and ATM-LOVD. The variant was identified in ClinVar (classified as likely benign by GeneDx and Invitae and classified as uncertain significance by Ambry Genetics). The variant was also not identified in the following control databases: the 1000 Genomes Project, the NHLBI GO Exome Sequencing Project, the Exome Aggregation Consortium (August 8th 2016), or the Genome Aggregation Database (Feb 27, 2017). The c.2839-4T>C variant is located in the 3' splice region but does not affect the invariant -1 or -2 positions. Positions -3 and -5 to -12 are also part of the splicing consensus sequence and variants involving these positions sometimes affect splicing; however, this variant is not located at any of these positions. Further, only 1 of 4 in silico or computational prediction software programs (SpliceSiteFinder, MaxEntScan, NNSPLICE, GeneSplicer) predicts a greater than 10% difference in splicing. In summary, based on the above information, the clinical significance of this variant cannot be determined with certainty at this time. This variant is classified as a variant of uncertain significance.